The following is an entry in ClinVar:

NM_001242896.3(DEPDC5):c.533G>A (p.Ser178Asn)

Gene: DEPDC5 (DEP domain containing 5, GATOR1 subcomplex subunit; plus strand). Cytogenetic location: 22q12.2.
Variant type: single nucleotide variant.
Coding change: c.533G>A on transcript NM_001242896.3 (MANE Select); coding-DNA position 533, G replaced by A.
Protein change: p.Ser178Asn; replaces serine 178 with asparagine.
Molecular consequence: missense variant. On other transcripts: non-coding transcript variant (5).
Genome position (GRCh38, 1-based): chr22:31,783,956, G>A. VCF-style: chr22-31783956-G-A. GRCh37 (hg19) VCF-style: chr22-32179942-G-A.
Other names: c.533G>A, p.Ser178Asn (NM_001007188.4, NM_001369903.1, NM_014662.6 and 7 more transcripts); c.449G>A, p.Ser150Asn (NM_001369901.1, NM_001369902.1); short protein forms S150N, S178N.
Identifiers: ClinVar variation 2811428 (VCV002811428.3), dbSNP rs781600507, ClinGen allele CA411285762.

ClinVar aggregate classification (germline): Uncertain significance (1 of 4 stars; one submission).

Conditions:
Familial focal epilepsy with variable foci (FPEVF). Identifiers: Orphanet 98820, MedGen C1858477, MONDO:0020310.

Allele frequency attached by ClinVar (database versions not stated): gnomAD exomes below 0.00001.

Submission:

Labcorp Genetics (formerly Invitae), Labcorp
Classification: Uncertain significance for Familial focal epilepsy with variable foci. Last evaluated: 2022-11-01. Review status: criteria provided, single submitter. Criteria: Invitae Variant Classification Sherloc (09022015). Collection method: clinical testing. Allele origin: germline.
Comment: In summary, the available evidence is currently insufficient to determine the role of this variant in disease. Therefore, it has been classified as a Variant of Uncertain Significance. Algorithms developed to predict the effect of missense changes on protein structure and function are either unavailable or do not agree on the potential impact of this missense change (SIFT: "Deleterious"; PolyPhen-2: "Not Available"; Align-GVGD: "Class C45"). This variant has not been reported in the literature in individuals affected with DEPDC5-related conditions. This variant is not present in population databases (gnomAD no frequency). This sequence change replaces serine, which is neutral and polar, with asparagine, which is neutral and polar, at codon 178 of the DEPDC5 protein (p.Ser178Asn).